The following is an entry in ClinVar:

ClinVar aggregate classification (germline): Uncertain significance (1 of 4 stars; one submission).

Conditions:
Primary ciliary dyskinesia. Also called: Ciliary dyskinesia. Identifiers: Orphanet 244, MedGen C0008780, MONDO:0016575, HP:0012265.

Submission:

Labcorp Genetics (formerly Invitae), Labcorp
Classification: Uncertain significance for Primary ciliary dyskinesia. Last evaluated: 2022-11-02. Review status: criteria provided, single submitter. Criteria: Invitae Variant Classification Sherloc (09022015). Collection method: clinical testing. Allele origin: germline.
Comment: In summary, the available evidence is currently insufficient to determine the role of this variant in disease. Therefore, it has been classified as a Variant of Uncertain Significance. Advanced modeling of protein sequence and biophysical properties (such as structural, functional, and spatial information, amino acid conservation, physicochemical variation, residue mobility, and thermodynamic stability) performed at Invitae indicates that this missense variant is not expected to disrupt DNAH5 protein function. This variant has not been reported in the literature in individuals affected with DNAH5-related conditions. This variant is not present in population databases (gnomAD no frequency). This sequence change replaces isoleucine, which is neutral and non-polar, with leucine, which is neutral and non-polar, at codon 1061 of the DNAH5 protein (p.Ile1061Leu).

NM_001369.3(DNAH5):c.3181A>C (p.Ile1061Leu)

Genes: DNAH5 (dynein axonemal heavy chain 5; minus strand), DNAH5-AS1 (DNAH5 antisense RNA 1; plus strand). Cytogenetic location: 5p15.2.
Variant type: single nucleotide variant.
Coding change: c.3181A>C on transcript NM_001369.3 (MANE Select); coding-DNA position 3181, A replaced by C.
Protein change: p.Ile1061Leu; replaces isoleucine 1061 with leucine.
Molecular consequence: missense variant.
Genome position (GRCh38, 1-based): chr5:13,882,809, T>G on the plus strand (A>C on the coding strand, the complement: DNAH5 is on the minus strand). VCF-style: chr5-13882809-T-G. GRCh37 (hg19) VCF-style: chr5-13882918-T-G.
Other names: short protein forms I1061L.
Identifiers: ClinVar variation 2804583 (VCV002804583.3), dbSNP rs1771855564, ClinGen allele CA359192478.